The following is an entry in ClinVar:

ClinVar aggregate classification (germline): Likely benign. Review status: criteria provided, single submitter (1 of 4 stars). 2 submissions from 2 submitters: Likely benign (1). 1 of the submissions does not count toward it. Last evaluated 2026-01-25.

Conditions:
BRCA1-related disorder. Also called: BRCA1-related condition.

Allele frequency attached by ClinVar (database versions not stated): gnomAD exomes 0.00001; ExAC 0.00002.
gnomAD v4.1: 9 of 1,613,840 alleles (0.00056%); highest among the groups gnomAD compares: African/African-American, 0.0013%; no homozygotes.

Submissions (2):

PreventionGenetics, part of Exact Sciences
Classification: Likely benign for BRCA1-related condition. Last evaluated: 2026-01-25. Review status: criteria provided, single submitter. Criteria: ACMG Guidelines, 2015. Collection method: clinical testing. Allele origin: germline.
Comment: This variant is classified as likely benign based on ACMG/AMP sequence variant interpretation guidelines (Richards et al. 2015 PMID: 25741868, with internal and published modifications).

Department of Pathology and Laboratory Medicine, Sinai Health System
Classification: Likely benign. Review status: no assertion criteria provided. Collection method: clinical testing. Allele origin: unknown. Affected: yes. Study: The Canadian Open Genetics Repository (COGR). Not counted in ClinVar's aggregate classification.

NM_007294.4(BRCA1):c.5407-21C>G

Gene: BRCA1 (BRCA1 DNA repair associated; minus strand). Cytogenetic location: 17q21.31.
Variant type: single nucleotide variant.
Coding change: c.5407-21C>G on transcript NM_007294.4 (MANE Select); 21 bases into the intron before coding-DNA position 5407, C replaced by G.
Molecular consequence: intron variant.
Genome position (GRCh38, 1-based): chr17:43,047,724, G>C on the plus strand (C>G on the coding strand, the complement: BRCA1 is on the minus strand). VCF-style: chr17-43047724-G-C. GRCh37 (hg19) VCF-style: chr17-41199741-G-C.
Other names: c.1954-21C>G (NM_001408458.1, NM_001408461.1, NM_001408464.1 and 7 more transcripts); c.4516-21C>G (NM_001407967.1); c.5026-21C>G (NM_001407959.1); c.5140-21C>G (NM_001407931.1, NM_001407932.1, NM_001407928.1 and 4 more transcripts); c.5263-21C>G (NM_001407747.1, NM_001407745.1, NM_001407737.1 and 18 more transcripts); c.5023-21C>G (NM_001407962.1, NM_001407960.1); c.1594-21C>G (NM_001408512.1); c.1717-21C>G (NM_001408510.1); and 83 more.
Identifiers: ClinVar variation 433735 (VCV000433735.4), dbSNP rs273901768, ClinGen allele CA054915.